The following is an entry in ClinVar:

ClinVar aggregate classification (germline): Pathogenic (1 of 4 stars; one submission).

Conditions:
Junctional epidermolysis bullosa. Identifiers: Orphanet 305, MedGen C0079301, MONDO:0017612.

Submission:

Myriad Genetics, Inc.
Classification: Pathogenic for Junctional epidermolysis bullosa. Last evaluated: 2023-09-27. Review status: criteria provided, single submitter. Criteria: Myriad Autosomal Dominant, Autosomal Recessive and X-Linked Classification Criteria (2023). Collection method: clinical testing. Allele origin: unknown.
Comment: NM_000228.2(LAMB3):c.3061dupG(V1021Gfs*18) is expected to be pathogenic in the context of junctional epidermolysis bullosa, LAMB3-related. This variant is predicted to lead to an abnormal or absent protein product due to the creation of a premature termination codon in LAMB3, a gene where loss-of-function variants are known to be pathogenic. Please note: this variant was assessed in the context of healthy population screening.

NM_000228.3(LAMB3):c.3061dup (p.Val1021fs)

Gene: LAMB3 (laminin subunit beta 3; minus strand). Cytogenetic location: 1q32.2.
Variant type: Duplication.
Coding change: c.3061dup on transcript NM_000228.3 (MANE Select); coding-DNA position 3061, one base duplicated (G; older notation c.3061dupG).
Protein change: p.Val1021fs; shifts the reading frame from valine 1021.
Molecular consequence: frameshift variant.
Genome position (GRCh38, 1-based): chr1:209,617,577, C duplicated on the plus strand (G on the coding strand, the reverse complement: LAMB3 is on the minus strand); the first of 2 consecutive C bases (chr1:209,617,577-209,617,578); duplicating either gives the same sequence. VCF-style (leftmost placement, unchanged base first): chr1-209617576-A-AC. GRCh37 (hg19) VCF-style: chr1-209790921-A-AC.
Other names: c.3061dup, p.Val1021fs (NM_001017402.2, NM_001127641.1); short protein forms V1021fs.
Identifiers: ClinVar variation 5011881 (VCV005011881.1).